The following is an entry in ClinVar:

NM_006158.5(NEFL):c.279G>A (p.Gln93=)

Gene: NEFL (neurofilament light chain; minus strand). Cytogenetic location: 8p21.2.
Variant type: single nucleotide variant.
Coding change: c.279G>A on transcript NM_006158.5 (MANE Select); coding-DNA position 279, G replaced by A.
Protein change: p.Gln93=; no amino-acid change (glutamine 93 retained).
Molecular consequence: synonymous variant.
Genome position (GRCh38, 1-based): chr8:24,956,237, C>T on the plus strand (G>A on the coding strand, the complement: NEFL is on the minus strand). VCF-style: chr8-24956237-C-T. GRCh37 (hg19) VCF-style: chr8-24813751-C-T.
Other names: c.279G>A (NM_006158.4).
Identifiers: ClinVar variation 66691 (VCV000066691.13), dbSNP rs60737254, ClinGen allele CA217541.
Genomic context (GRCh38, chr8:24,956,237, plus strand): 5'-CTGCTCCAGCTCGTGCACGCGCTCGATGAAGCTGGCGAAGCGGTCATTGAGGTCCTGGAG[C>T]TGCGCCTTCTCCTGCGTGCGGATGGACTTGAGGTCGTTGCTGATGGCGGCTACCTGGCTC-3'
Protein context (NP_006149.2, residues 83-103): LKSIRTQEKA[Gln93=]LQDLNDRFAS

ClinVar aggregate classification (germline): Benign/Likely benign. Review status: criteria provided, multiple submitters, no conflicts (2 of 4 stars). 5 submissions from 5 submitters: Benign (1); Likely benign (1). 3 of the submissions do not count toward it. Last evaluated 2024-08-06.

Conditions:
NEFL-related disorder. Also called: NEFL-related condition.
Charcot-Marie-Tooth disease type 2E (CMT2E). Also called: CHARCOT-MARIE-TOOTH DISEASE, AXONAL, TYPE 2E; CHARCOT-MARIE-TOOTH NEUROPATHY, TYPE 2E. Identifiers: Orphanet 99939, MedGen C1843225, MONDO:0011894, OMIM 607684.

Allele frequency attached by ClinVar (database versions not stated): gnomAD 0.00002 and 0.00007; TOPMed 0.00005; 1000 Genomes Project 0.00060; gnomAD exomes 0.00012; ExAC 0.00018; 1000 Genomes Project 30x 0.00047.

Submissions (5):

Athena Diagnostics
Classification: Benign. Last evaluated: 2024-08-06. Review status: criteria provided, single submitter. Criteria: Athena Diagnostics Criteria. Collection method: clinical testing. Allele origin: unknown.

Labcorp Genetics (formerly Invitae), Labcorp
Classification: Likely benign for Charcot-Marie-Tooth disease type 2E. Last evaluated: 2023-04-06. Review status: criteria provided, single submitter. Criteria: Invitae Variant Classification Sherloc (09022015). Collection method: clinical testing. Allele origin: germline.

PreventionGenetics, part of Exact Sciences
Classification: Likely benign for NEFL-related condition. Last evaluated: 2021-03-24. Review status: no assertion criteria provided. Collection method: clinical testing. Allele origin: germline. Not counted in ClinVar's aggregate classification.
Comment: This variant is classified as likely benign based on ACMG/AMP sequence variant interpretation guidelines (Richards et al. 2015 PMID: 25741868, with internal and published modifications).

Epithelial Biology;  Institute of Medical Biology, Singapore
No classification provided. Review status: no classification provided. Collection method: not provided. Allele origin: not provided. Not counted in ClinVar's aggregate classification.

Inherited Neuropathy Consortium
Classification: Uncertain significance. Review status: no assertion criteria provided. Collection method: literature only. Allele origin: germline. Affected: yes. Not counted in ClinVar's aggregate classification.

Literature cited by the submitters: PubMed 19158810 (cited by Athena Diagnostics); PubMed 15241803 (cited by Inherited Neuropathy Consortium).